The following is an entry in ClinVar:

ClinVar aggregate classification (germline): Uncertain significance (1 of 4 stars; one submission).

Allele frequency attached by ClinVar (database versions not stated): TOPMed below 0.00001.

Submission:

Labcorp Genetics (formerly Invitae), Labcorp
Classification: Uncertain significance. Last evaluated: 2021-09-24. Review status: criteria provided, single submitter. Criteria: Invitae Variant Classification Sherloc (09022015). Collection method: clinical testing. Allele origin: germline.
Comment: This sequence change replaces phenylalanine with serine at codon 90 of the ASNS protein (p.Phe90Ser). The phenylalanine residue is highly conserved and there is a large physicochemical difference between phenylalanine and serine. This variant is not present in population databases (ExAC no frequency). This variant has not been reported in the literature in individuals affected with ASNS-related conditions. Advanced modeling of protein sequence and biophysical properties (such as structural, functional, and spatial information, amino acid conservation, physicochemical variation, residue mobility, and thermodynamic stability) performed at Invitae indicates that this missense variant is expected to disrupt ASNS protein function. In summary, the available evidence is currently insufficient to determine the role of this variant in disease. Therefore, it has been classified as a Variant of Uncertain Significance.

NM_001673.5(ASNS):c.269T>C (p.Phe90Ser)

Genes: ASNS (asparagine synthetase (glutamine-hydrolyzing); minus strand), CZ1P-ASNS (CZ1P-ASNS readthrough; minus strand). Cytogenetic location: 7q21.3.
Variant type: single nucleotide variant.
Coding change: c.269T>C on transcript NM_001673.5 (MANE Select); coding-DNA position 269, T replaced by C.
Protein change: p.Phe90Ser; replaces phenylalanine 90 with serine.
Molecular consequence: missense variant. On other transcripts: non-coding transcript variant (1).
Genome position (GRCh38, 1-based): chr7:97,864,477, A>G on the plus strand (T>C on the coding strand, the complement: ASNS is on the minus strand). VCF-style: chr7-97864477-A-G. GRCh37 (hg19) VCF-style: chr7-97493789-A-G.
Other names: c.206T>C, p.Phe69Ser (NM_001178075.2); c.20T>C, p.Phe7Ser (NM_001178076.2, NM_001178077.1); c.269T>C, p.Phe90Ser (NM_001352496.2, NM_133436.3, NM_183356.4); short protein forms F69S, F7S, F90S.
Identifiers: ClinVar variation 1479504 (VCV001479504.5), dbSNP rs1791871172, ClinGen allele CA368272546.